The following is an entry in ClinVar:

ClinVar aggregate classification (germline): Uncertain significance. Review status: criteria provided, multiple submitters, no conflicts (2 of 4 stars). 2 submissions from 2 submitters: Uncertain significance (2). Last evaluated 2025-02-27.

Conditions:
Tumor predisposition syndrome 3 (TPDS3). Also called: LONG TELOMERE SYNDROME, POT1-RELATED; POT1 Tumor Predisposition; Melanoma, cutaneous malignant, susceptibility to, 10; Glioma susceptibility 9. Identifiers: Orphanet 618, MedGen C4014476, MONDO:0014368, OMIM 615848.
Hereditary cancer-predisposing syndrome. Also called: Hereditary neoplastic syndrome; Neoplastic Syndromes, Hereditary; Tumor predisposition; Hereditary Cancer Syndrome. Identifiers: Orphanet 140162, MedGen C0027672, MeSH D009386, MONDO:0015356.

Allele frequency attached by ClinVar (database versions not stated): gnomAD exomes below 0.00001.
gnomAD v4.1: 1 of 1,611,262 alleles (0.000062%); highest among the groups gnomAD compares: Non-Finnish European, 0.000085%; no homozygotes.

Submissions (2):

Ambry Genetics
Classification: Uncertain significance for Hereditary cancer-predisposing syndrome. Last evaluated: 2025-02-27. Review status: criteria provided, single submitter. Criteria: Ambry Variant Classification Scheme 2023. Collection method: clinical testing. Allele origin: germline.
Comment: The p.D576G variant (also known as c.1727A>G), located in coding exon 14 of the POT1 gene, results from an A to G substitution at nucleotide position 1727. The aspartic acid at codon 576 is replaced by glycine, an amino acid with similar properties. This amino acid position is conserved. In addition, this alteration is predicted to be tolerated by in silico analysis. Based on the available evidence, the clinical significance of this variant remains unclear.

Labcorp Genetics (formerly Invitae), Labcorp
Classification: Uncertain significance for Tumor predisposition syndrome 3. Last evaluated: 2024-01-27. Review status: criteria provided, single submitter. Criteria: Invitae Variant Classification Sherloc (09022015). Collection method: clinical testing. Allele origin: germline.
Comment: This sequence change replaces aspartic acid, which is acidic and polar, with glycine, which is neutral and non-polar, at codon 576 of the POT1 protein (p.Asp576Gly). This variant is not present in population databases (gnomAD no frequency). This variant has not been reported in the literature in individuals affected with POT1-related conditions. ClinVar contains an entry for this variant (Variation ID: 1981631). Advanced modeling of protein sequence and biophysical properties (such as structural, functional, and spatial information, amino acid conservation, physicochemical variation, residue mobility, and thermodynamic stability) performed at Invitae indicates that this missense variant is not expected to disrupt POT1 protein function with a negative predictive value of 80%. In summary, the available evidence is currently insufficient to determine the role of this variant in disease. Therefore, it has been classified as a Variant of Uncertain Significance.

NM_015450.3(POT1):c.1727A>G (p.Asp576Gly)

Gene: POT1 (protection of telomeres 1; minus strand). Cytogenetic location: 7q31.33.
Variant type: single nucleotide variant.
Coding change: c.1727A>G on transcript NM_015450.3 (MANE Select); coding-DNA position 1727, A replaced by G.
Protein change: p.Asp576Gly; replaces aspartic acid 576 with glycine.
Molecular consequence: missense variant. On other transcripts: non-coding transcript variant (3).
Genome position (GRCh38, 1-based): chr7:124,825,317, T>C on the plus strand (A>G on the coding strand, the complement: POT1 is on the minus strand). VCF-style: chr7-124825317-T-C. GRCh37 (hg19) VCF-style: chr7-124465371-T-C.
Other names: c.1334A>G, p.Asp445Gly (NM_001042594.2); c.1727A>G (NM_015450.2); short protein forms D445G, D576G.
Identifiers: ClinVar variation 1981631 (VCV001981631.5), dbSNP rs2485338330, ClinGen allele CA369062401.